The following is an entry in ClinVar:

ClinVar aggregate classification (germline): Uncertain significance. Review status: criteria provided, multiple submitters, no conflicts (2 of 4 stars). 4 submissions from 4 submitters: Uncertain significance (4). Last evaluated 2022-10-31.

Conditions:
Hyperekplexia 4. Identifiers: MedGen C4693933, MONDO:0044330, OMIM 618011.
Inborn genetic diseases. Identifiers: MedGen C0950123, MeSH D030342.

Allele frequency attached by ClinVar (database versions not stated): ExAC 0.00044; gnomAD 0.00055 and 0.00060; gnomAD exomes 0.00055; TOPMed 0.00061; ESP Exome Variant Server 0.00092.
gnomAD v4.1: 1,389 of 1,613,240 alleles (0.086%); highest among the groups gnomAD compares: Non-Finnish European, 0.11%; 1 homozygote.

Submissions (4):

Labcorp Genetics (formerly Invitae), Labcorp
Classification: Uncertain significance. Last evaluated: 2022-10-31. Review status: criteria provided, single submitter. Criteria: Invitae Variant Classification Sherloc (09022015). Collection method: clinical testing. Allele origin: germline.
Comment: This sequence change replaces histidine, which is basic and polar, with leucine, which is neutral and non-polar, at codon 256 of the ATAD1 protein (p.His256Leu). This variant is present in population databases (rs144419191, gnomAD 0.1%), and has an allele count higher than expected for a pathogenic variant. This variant has not been reported in the literature in individuals affected with ATAD1-related conditions. ClinVar contains an entry for this variant (Variation ID: 1496458). Algorithms developed to predict the effect of missense changes on protein structure and function are either unavailable or do not agree on the potential impact of this missense change (SIFT: "Not Available"; PolyPhen-2: "Benign"; Align-GVGD: "Not Available"). In summary, the available evidence is currently insufficient to determine the role of this variant in disease. Therefore, it has been classified as a Variant of Uncertain Significance.

ARUP Laboratories, Molecular Genetics and Genomics, ARUP Laboratories
Classification: Uncertain significance for Hyperekplexia 4. Last evaluated: 2022-10-25. Review status: criteria provided, single submitter. Criteria: ARUP Molecular Germline Variant Investigation Process 2021. Collection method: clinical testing. Allele origin: germline.

Ambry Genetics
Classification: Uncertain significance for Inborn genetic diseases. Last evaluated: 2021-05-24. Review status: criteria provided, single submitter. Criteria: Ambry Variant Classification Scheme 2023. Collection method: clinical testing. Allele origin: germline.

Breakthrough Genomics
Classification: Uncertain significance. Review status: criteria provided, single submitter. Criteria: ACMG Guidelines, 2015. Collection method: not provided. Allele origin: germline. Inheritance: Autosomal recessive inheritance. Affected: yes.

NM_001321967.2(ATAD1):c.767A>T (p.His256Leu)

Gene: ATAD1 (ATPase family AAA domain containing 1; minus strand). Cytogenetic location: 10q23.31.
Variant type: single nucleotide variant.
Coding change: c.767A>T on transcript NM_001321967.2 (MANE Select); coding-DNA position 767, A replaced by T.
Protein change: p.His256Leu; replaces histidine 256 with leucine.
Molecular consequence: missense variant. On other transcripts: non-coding transcript variant (1), intron variant (1).
Genome position (GRCh38, 1-based): chr10:87,770,965, T>A on the plus strand (A>T on the coding strand, the complement: ATAD1 is on the minus strand). VCF-style: chr10-87770965-T-A. GRCh37 (hg19) VCF-style: chr10-89530722-T-A.
Other names: c.410A>T, p.His137Leu (NM_001321969.2); c.767A>T, p.His256Leu (NM_032810.4); c.691-3242A>T (NM_001321968.2); c.767A>T (NM_032810.2); short protein forms H137L, H256L.
Identifiers: ClinVar variation 1496458 (VCV001496458.7), dbSNP rs144419191, ClinGen allele CA5590007.